The following is an entry in ClinVar:

ClinVar aggregate classification (germline): Uncertain significance (1 of 4 stars; one submission).

Submission:

Labcorp Genetics (formerly Invitae), Labcorp
Classification: Uncertain significance. Last evaluated: 2023-08-17. Review status: criteria provided, single submitter. Criteria: Invitae Variant Classification Sherloc (09022015). Collection method: clinical testing. Allele origin: germline.
Comment: This sequence change replaces aspartic acid, which is acidic and polar, with glycine, which is neutral and non-polar, at codon 680 of the SLC24A1 protein (p.Asp680Gly). In summary, the available evidence is currently insufficient to determine the role of this variant in disease. Therefore, it has been classified as a Variant of Uncertain Significance. An algorithm developed to predict the effect of missense changes on protein structure and function (PolyPhen-2) suggests that this variant is likely to be tolerated. ClinVar contains an entry for this variant (Variation ID: 1026789). This variant has not been reported in the literature in individuals affected with SLC24A1-related conditions. This variant is not present in population databases (gnomAD no frequency).

NM_004727.3(SLC24A1):c.2039A>G (p.Asp680Gly)

Gene: SLC24A1 (solute carrier family 24 member 1; plus strand). Cytogenetic location: 15q22.31.
Variant type: single nucleotide variant.
Coding change: c.2039A>G on transcript NM_004727.3 (MANE Select); coding-DNA position 2039, A replaced by G.
Protein change: p.Asp680Gly; replaces aspartic acid 680 with glycine.
Molecular consequence: missense variant.
Genome position (GRCh38, 1-based): chr15:65,639,689, A>G. VCF-style: chr15-65639689-A-G. GRCh37 (hg19) VCF-style: chr15-65932027-A-G.
Other names: c.2039A>G, p.Asp680Gly (NM_001301031.1); c.1985A>G, p.Asp662Gly (NM_001301032.1, NM_001301033.2); short protein forms D662G, D680G.
Identifiers: ClinVar variation 1026789 (VCV001026789.8), dbSNP rs2075060424, ClinGen allele CA392920105.